The following is an entry in ClinVar:

NM_001352027.3(PHF21A):c.1108A>G (p.Met370Val)

Gene: PHF21A (PHD finger protein 21A; minus strand). Cytogenetic location: 11p11.2.
Variant type: single nucleotide variant.
Coding change: c.1108A>G on transcript NM_001352027.3 (MANE Select); coding-DNA position 1108, A replaced by G.
Protein change: p.Met370Val; replaces methionine 370 with valine.
Molecular consequence: missense variant. On other transcripts: non-coding transcript variant (2).
Genome position (GRCh38, 1-based): chr11:45,950,245, T>C on the plus strand (A>G on the coding strand, the complement: PHF21A is on the minus strand). VCF-style: chr11-45950245-T-C. GRCh37 (hg19) VCF-style: chr11-45971796-T-C.
Other names: c.1105A>G, p.Met369Val (NM_001101802.3, NM_001352030.3, NM_001352031.3 and 1 more transcripts); c.1108A>G, p.Met370Val (NM_001352025.3, NM_001352026.3, NM_001352028.1 and 2 more transcripts); short protein forms M369V, M370V.
Identifiers: ClinVar variation 3897235 (VCV003897235.2).

ClinVar aggregate classification (germline): Uncertain significance (1 of 4 stars; one submission).

Submission:

GeneDx
Classification: Uncertain significance. Last evaluated: 2025-05-08. Review status: criteria provided, single submitter. Criteria: GeneDx Variant Classification Process June 2021. Collection method: clinical testing. Allele origin: germline.
Comment: Not observed at significant frequency in large population cohorts (gnomAD); In silico analysis supports that this missense variant has a deleterious effect on protein structure/function; Has not been previously published as pathogenic or benign to our knowledge